The following is an entry in ClinVar:

NM_001843.4(CNTN1):c.61+129A>G

Gene: CNTN1 (contactin 1; plus strand). Cytogenetic location: 12q12.
Variant type: single nucleotide variant.
Coding change: c.61+129A>G on transcript NM_001843.4 (MANE Select); 129 bases into the intron after coding-DNA position 61, A replaced by G.
Molecular consequence: intron variant.
Genome position (GRCh38, 1-based): chr12:40,908,622, A>G. VCF-style: chr12-40908622-A-G. GRCh37 (hg19) VCF-style: chr12-41302424-A-G.
Other names: c.61+129A>G (NM_001256063.2, NM_001256064.2, NM_175038.2).
Identifiers: ClinVar variation 680305 (VCV000680305.1), dbSNP rs75970534, ClinGen allele CA235411653.

ClinVar aggregate classification (germline): Benign (1 of 4 stars; one submission).

Allele frequency attached by ClinVar (database versions not stated): gnomAD exomes 0.06552; gnomAD 0.06576 and 0.06691; TOPMed 0.07270; 1000 Genomes Project 0.09125; 1000 Genomes Project 30x 0.09166.
gnomAD v4.1: 41,531 of 632,948 alleles (6.6%); highest among the groups gnomAD compares: Admixed American, 20%; 2,424 homozygotes.

Submission:

GeneDx
Classification: Benign. Last evaluated: 2018-06-19. Review status: criteria provided, single submitter. Criteria: GeneDx Variant Classification (06012015). Collection method: clinical testing. Allele origin: germline. Affected: yes.
Comment: This variant is considered likely benign or benign based on one or more of the following criteria: it is a conservative change, it occurs at a poorly conserved position in the protein, it is predicted to be benign by multiple in silico algorithms, and/or has population frequency not consistent with disease.